The following is an entry in ClinVar:

ClinVar aggregate classification (germline): Uncertain significance. Review status: criteria provided, multiple submitters, no conflicts (2 of 4 stars). 2 submissions from 2 submitters: Uncertain significance (2). Last evaluated 2023-03-20.

Allele frequency attached by ClinVar (database versions not stated): ExAC 0.00001; TOPMed 0.00002; gnomAD 0.00007; ESP Exome Variant Server 0.00008.
gnomAD v4.1: 46 of 1,614,014 alleles (0.0029%); highest among the groups gnomAD compares: East Asian, 0.0067%; 1 homozygote.

Submissions (2):

Blueprint Genetics
Classification: Uncertain significance. Last evaluated: 2023-03-20. Review status: criteria provided, single submitter. Criteria: ACMG Guidelines, 2015. Collection method: clinical testing. Allele origin: germline.

Labcorp Genetics (formerly Invitae), Labcorp
Classification: Uncertain significance. Last evaluated: 2022-07-24. Review status: criteria provided, single submitter. Criteria: Invitae Variant Classification Sherloc (09022015). Collection method: clinical testing. Allele origin: germline.
Comment: This sequence change replaces serine, which is neutral and polar, with leucine, which is neutral and non-polar, at codon 37 of the LCA5 protein (p.Ser37Leu). This variant is present in population databases (rs374135825, gnomAD 0.02%). This variant has not been reported in the literature in individuals affected with LCA5-related conditions. Algorithms developed to predict the effect of missense changes on protein structure and function are either unavailable or do not agree on the potential impact of this missense change (SIFT: "Deleterious"; PolyPhen-2: "Probably Damaging"; Align-GVGD: "Class C0"). In summary, the available evidence is currently insufficient to determine the role of this variant in disease. Therefore, it has been classified as a Variant of Uncertain Significance.

NM_001122769.3(LCA5):c.110C>T (p.Ser37Leu)

Gene: LCA5 (lebercilin LCA5; minus strand). Cytogenetic location: 6q14.1.
Variant type: single nucleotide variant.
Coding change: c.110C>T on transcript NM_001122769.3 (MANE Select); coding-DNA position 110, C replaced by T.
Protein change: p.Ser37Leu; replaces serine 37 with leucine.
Molecular consequence: missense variant.
Genome position (GRCh38, 1-based): chr6:79,518,785, G>A on the plus strand (C>T on the coding strand, the complement: LCA5 is on the minus strand). VCF-style: chr6-79518785-G-A. GRCh37 (hg19) VCF-style: chr6-80228502-G-A.
Other names: c.110C>T, p.Ser37Leu (NM_181714.4); short protein forms S37L.
Identifiers: ClinVar variation 2048794 (VCV002048794.2), dbSNP rs374135825, ClinGen allele CA3901211.
Genomic context (GRCh38, chr6:79,518,785, plus strand): 5'-TCTGAAGTTTGTCTTTTAGGATTTTTTCTCCTAACACTTGCAGGTGAAGAACTGACCAGC[G>A]ATGATCGGCCAGAAGACTGTGGCGTTTCAAAATCAGATAAGTAAGAATAATGGTGTTTGC-3'
Protein context (NP_001116241.1, residues 27-47): FETPQSSGRS[Ser37Leu]LVSSSPASVR